The following is an entry in ClinVar:

NM_020232.5(PSMG2):c.301C>G (p.Pro101Ala)

Gene: PSMG2 (proteasome assembly chaperone 2; plus strand). Cytogenetic location: 18p11.21.
Variant type: single nucleotide variant.
Coding change: c.301C>G on transcript NM_020232.5 (MANE Select); coding-DNA position 301, C replaced by G.
Protein change: p.Pro101Ala; replaces proline 101 with alanine.
Molecular consequence: missense variant.
Genome position (GRCh38, 1-based): chr18:12,718,529, C>G. VCF-style: chr18-12718529-C-G. GRCh37 (hg19) VCF-style: chr18-12718528-C-G.
Other names: c.208C>G, p.Pro70Ala (NM_147163.2); short protein forms P101A, P70A.
Identifiers: ClinVar variation 3620253 (VCV003620253.2).
Genomic context (GRCh38, chr18:12,718,529, plus strand): 5'-AAGACTAACTTTTAGATTTTCTTTTTATTCTCTCAATGGTGTGCAAAGTATAAATCAAAG[C>G]CATTCTGTGAAAAACTGCTTTCCTGGGTGAAAAGCAGTGGCTGTGCCAGAGTCATTGTTC-3'
Protein context (NP_064617.2, residues 91-111): RSIFIKYKSK[Pro101Ala]FCEKLLSWVK

ClinVar aggregate classification (germline): Uncertain significance (1 of 4 stars; one submission).

Submission:

Labcorp Genetics (formerly Invitae), Labcorp
Classification: Uncertain significance. Last evaluated: 2024-07-31. Review status: criteria provided, single submitter. Criteria: Invitae Variant Classification Sherloc (09022015). Collection method: clinical testing. Allele origin: germline.
Comment: This sequence change replaces proline, which is neutral and non-polar, with alanine, which is neutral and non-polar, at codon 101 of the PSMG2 protein (p.Pro101Ala). This variant is not present in population databases (gnomAD no frequency). This variant has not been reported in the literature in individuals affected with PSMG2-related conditions. An algorithm developed to predict the effect of missense changes on protein structure and function (PolyPhen-2) suggests that this variant is likely to be tolerated. In summary, the available evidence is currently insufficient to determine the role of this variant in disease. Therefore, it has been classified as a Variant of Uncertain Significance.